The following is an entry in ClinVar:

NM_000238.4(KCNH2):c.769_854delinsGAGCCCGAGGCGT (p.Asn257fs)

Gene: KCNH2 (potassium voltage-gated channel subfamily H member 2; minus strand). Cytogenetic location: 7q36.1.
Variant type: Indel.
Coding change: c.769_854delinsGAGCCCGAGGCGT on transcript NM_000238.4 (MANE Select); coding-DNA positions 769 to 854, the reference bases replaced by GAGCCCGAGGCGT.
Protein change: p.Asn257fs; shifts the reading frame from asparagine 257.
Molecular consequence: frameshift variant. On other transcripts: non-coding transcript variant (1).
Genome position (GRCh38, 1-based): chr7:150,958,121-150,958,206, 86 bases replaced. GRCh37 (hg19): chr7:150,655,209-150,655,294.
Other names: c.769_854delinsGAGCCCGAGGCGT, p.Asn257fs (NM_172056.3); c.481_566delinsGAGCCCGAGGCGT, p.Asn161fs (NM_001406753.1, NM_001406756.1); c.592_677delinsGAGCCCGAGGCGT, p.Asn198fs (NM_001406755.1); c.469_554delinsGAGCCCGAGGCGT, p.Asn157fs (NM_001406757.1); short protein forms N161fs, N198fs, N157fs, N257fs.
Identifiers: ClinVar variation 2727880 (VCV002727880.3), dbSNP rs2486088798, ClinGen allele CA2697549692.

ClinVar aggregate classification (germline): Pathogenic (1 of 4 stars; one submission).

Conditions:
Long QT syndrome (LQTS). Identifiers: MedGen C0023976, MeSH D008133, MONDO:0002442. Disease mechanism: loss of function. Inheritance: Various modes of inheritance.

Submission:

Labcorp Genetics (formerly Invitae), Labcorp
Classification: Pathogenic for Long QT syndrome. Last evaluated: 2023-06-28. Review status: criteria provided, single submitter. Criteria: Invitae Variant Classification Sherloc (09022015). Collection method: clinical testing. Allele origin: germline.
Comment: For these reasons, this variant has been classified as Pathogenic. This variant has not been reported in the literature in individuals affected with KCNH2-related conditions. This variant is not present in population databases (gnomAD no frequency). This sequence change creates a premature translational stop signal (p.Asn257Glufs*79) in the KCNH2 gene. It is expected to result in an absent or disrupted protein product. Loss-of-function variants in KCNH2 are known to be pathogenic (PMID: 10973849, 19862833).

Literature cited by the submitters: PubMed 10973849; PubMed 19862833.